The following is an entry in ClinVar:

NM_004309.6(ARHGDIA):c.331C>G (p.Arg111Gly)

Gene: ARHGDIA (Rho GDP dissociation inhibitor alpha; minus strand). Cytogenetic location: 17q25.3.
Variant type: single nucleotide variant.
Coding change: c.331C>G on transcript NM_004309.6 (MANE Select); coding-DNA position 331, C replaced by G.
Protein change: p.Arg111Gly; replaces arginine 111 with glycine.
Molecular consequence: missense variant.
Genome position (GRCh38, 1-based): chr17:81,869,350, G>C on the plus strand (C>G on the coding strand, the complement: ARHGDIA is on the minus strand). VCF-style: chr17-81869350-G-C. GRCh37 (hg19) VCF-style: chr17-79827226-G-C.
Other names: c.331C>G, p.Arg111Gly (NM_001185077.3, NM_001185078.3, NM_001301240.2 and 2 more transcripts); c.466C>G, p.Arg156Gly (NM_001301243.2); short protein forms R111G, R156G.
Identifiers: ClinVar variation 3033572 (VCV003033572.2), dbSNP rs768880419, ClinGen allele CA401524655.

ClinVar aggregate classification (germline): Uncertain significance (0 of 4 stars; one submission).

Conditions:
ARHGDIA-related disorder. Also called: ARHGDIA-related condition.

Submission:

PreventionGenetics, part of Exact Sciences
Classification: Uncertain significance for ARHGDIA-related condition. Last evaluated: 2024-01-12. Review status: no assertion criteria provided. Collection method: clinical testing. Allele origin: germline.
Comment: The ARHGDIA c.331C>G variant is predicted to result in the amino acid substitution p.Arg111Gly. To our knowledge, this variant has not been reported in the literature or in a large population database, indicating this variant is rare. At this time, the clinical significance of this variant is uncertain due to the absence of conclusive functional and genetic evidence.